The following is an entry in ClinVar:

ClinVar aggregate classification (germline): Conflicting classifications of pathogenicity. Review status: criteria provided, conflicting classifications (1 of 4 stars). 4 submissions from 4 submitters: Uncertain significance (2); Likely benign (1). 1 of the submissions does not count toward it. Last evaluated 2025-08-23.

Conditions:
TRPM1-related disorder. Also called: TRPM1-related condition.
Congenital stationary night blindness 1C. Also called: Night blindness, congenital stationary (complete), 1C, autosomal recessive. Identifiers: Orphanet 215, MedGen C2750747, MONDO:0013183, OMIM 613216.

Allele frequency attached by ClinVar (database versions not stated): ExAC 0.00012; gnomAD exomes 0.00020 and 0.00042; TOPMed 0.00025; gnomAD 0.00029 and 0.00031; ESP Exome Variant Server 0.00042.
gnomAD v4.1: 642 of 1,613,982 alleles (0.04%); highest among the groups gnomAD compares: Non-Finnish European, 0.053%; no homozygotes.

Submissions (4):

Labcorp Genetics (formerly Invitae), Labcorp
Classification: Likely benign. Last evaluated: 2025-08-23. Review status: criteria provided, single submitter. Criteria: Invitae Variant Classification Sherloc (09022015). Collection method: clinical testing. Allele origin: germline.

Illumina Laboratory Services, Illumina
Classification: Uncertain significance for Congenital stationary night blindness 1C. Last evaluated: 2018-01-12. Review status: criteria provided, single submitter. Criteria: ICSL Variant Classification Criteria 13 December 2019. Collection method: clinical testing. Allele origin: germline.

Eurofins Ntd Llc (ga)
Classification: Uncertain significance. Last evaluated: 2015-01-28. Review status: criteria provided, single submitter. Criteria: EGL Classification Definitions 2015. Collection method: clinical testing. Allele origin: germline. Observed: 1 variant allele, 1 heterozygote.

PreventionGenetics, part of Exact Sciences
Classification: Likely benign for TRPM1-related condition. Last evaluated: 2024-08-02. Review status: no assertion criteria provided. Collection method: clinical testing. Allele origin: germline. Not counted in ClinVar's aggregate classification.
Comment: This variant is classified as likely benign based on ACMG/AMP sequence variant interpretation guidelines (Richards et al. 2015 PMID: 25741868, with internal and published modifications).

NM_001252024.2(TRPM1):c.2701-10T>A

Genes: TRPM1-AS1 (TRPM1 antisense RNA 1; plus strand), TRPM1 (transient receptor potential cation channel subfamily M member 1; minus strand). Cytogenetic location: 15q13.3.
Variant type: single nucleotide variant.
Coding change: c.2701-10T>A on transcript NM_001252024.2 (MANE Select); 10 bases into the intron before coding-DNA position 2701, T replaced by A.
Molecular consequence: intron variant.
Genome position (GRCh38, 1-based): chr15:31,032,950, A>T on the plus strand (T>A on the coding strand, the complement: TRPM1 is on the minus strand). VCF-style: chr15-31032950-A-T. GRCh37 (hg19) VCF-style: chr15-31325153-A-T.
Other names: c.2752-10T>A (NM_001252020.2, NM_001252020.1); c.2635-10T>A (NM_002420.6).
Identifiers: ClinVar variation 195588 (VCV000195588.19), dbSNP rs201747375, ClinGen allele CA242066.